The following is an entry in ClinVar:

NM_170662.5(CBLB):c.1860_1862dup (p.Ala621dup)

Gene: CBLB (Cbl proto-oncogene B; minus strand). Cytogenetic location: 3q13.11.
Variant type: Duplication.
Coding change: c.1860_1862dup on transcript NM_170662.5 (MANE Select); coding-DNA positions 1860 to 1862, 3 bases duplicated (AGC; older notation c.1860_1862dupAGC).
Protein change: p.Ala621dup; duplicates alanine 621.
Molecular consequence: inframe insertion. On other transcripts: non-coding transcript variant (7).
Genome position (GRCh38, 1-based): chr3:105,702,191-105,702,193, GCT duplicated on the plus strand (AGC on the coding strand, the reverse complement: CBLB is on the minus strand); duplicating any 3 consecutive bases within chr3:105,702,191-105,702,194 gives the same sequence; the c. name uses the placement nearest the transcript's 3' end. VCF-style (leftmost placement, unchanged base first): chr3-105702190-C-CGCT. GRCh37 (hg19) VCF-style: chr3-105421034-C-CGCT.
Other names: c.1944_1946dup, p.Ala649dup (NM_001321786.1, NM_001321789.1); c.1860_1862dup, p.Ala621dup (NM_001321788.2, NM_001321791.2, NM_001321793.2 and 4 more transcripts); c.1926_1928dup, p.Ala643dup (NM_001321790.2); c.1713_1715dup, p.Ala572dup (NM_001321796.2, NM_001321799.2); c.1080_1082dup, p.Ala361dup (NM_001321806.2, NM_001321807.2, NM_001321808.2 and 3 more transcripts); c.672_674dup, p.Ala225dup (NM_001321820.2); c.531_533dup, p.Ala178dup (NM_001321822.2).
Identifiers: ClinVar variation 133820 (VCV000133820.1), dbSNP rs587778163, ClinGen allele CA157887.

ClinVar aggregate classification (germline): not provided (0 of 4 stars; one submission).

Submission:

ITMI
No classification provided. Condition: AllHighlyPenetrant. Last evaluated: 2013-09-19. Review status: no classification provided. Collection method: reference population. Allele origin: germline.
Comment: Please see associated publication for description of ethnicities

Literature cited by the submitters: PubMed 24728327.